The following is an entry in ClinVar:

NM_001130987.2(DYSF):c.4528-56A>G

Gene: DYSF (dysferlin; plus strand). Cytogenetic location: 2p13.2.
Variant type: single nucleotide variant.
Coding change: c.4528-56A>G on transcript NM_001130987.2 (MANE Select); 56 bases into the intron before coding-DNA position 4528, A replaced by G.
Molecular consequence: intron variant.
Genome position (GRCh38, 1-based): chr2:71,643,909, A>G. VCF-style: chr2-71643909-A-G. GRCh37 (hg19) VCF-style: chr2-71871039-A-G.
Other names: c.4504-56A>G (NM_001130979.2); c.4525-56A>G (NM_001130981.2); c.4462-56A>G (NM_001130980.2); c.4474-56A>G (NM_001130978.2); c.4411-56A>G (NM_003494.4); c.4432-56A>G (NM_001130977.2); c.4369-56A>G (NM_001130976.2); c.4507-56A>G (NM_001130982.2); and 5 more.
Identifiers: ClinVar variation 679996 (VCV000679996.5), dbSNP rs84181, ClinGen allele CA11189229.

ClinVar aggregate classification (germline): Benign. Review status: criteria provided, multiple submitters, no conflicts (2 of 4 stars). 3 submissions from 3 submitters: Benign (3). Last evaluated 2021-06-10.

Conditions:
Miyoshi muscular dystrophy 1 (MMD1). Identifiers: Orphanet 45448, MedGen C4551973, MONDO:0024545, OMIM 254130.

Allele frequency attached by ClinVar (database versions not stated): 1000 Genomes Project 0.82468; 1000 Genomes Project 30x 0.82558; TOPMed 0.84867; gnomAD 0.85480 and 0.85683; gnomAD exomes 0.86820.
gnomAD v4.1: 1,220,734 of 1,408,858 alleles (87%); highest among the groups gnomAD compares: Middle Eastern, 91%; 530,037 homozygotes.

Submissions (3):

Genome-Nilou Lab
Classification: Benign for Miyoshi muscular dystrophy 1. Last evaluated: 2021-06-10. Review status: criteria provided, single submitter. Criteria: ACMG Guidelines, 2015. Collection method: clinical testing. Allele origin: germline. Affected: no.

GeneDx
Classification: Benign. Last evaluated: 2018-06-14. Review status: criteria provided, single submitter. Criteria: GeneDx Variant Classification (06012015). Collection method: clinical testing. Allele origin: germline. Affected: yes.
Comment: This variant is considered likely benign or benign based on one or more of the following criteria: it is a conservative change, it occurs at a poorly conserved position in the protein, it is predicted to be benign by multiple in silico algorithms, and/or has population frequency not consistent with disease.

Breakthrough Genomics
Classification: Benign. Review status: criteria provided, single submitter. Criteria: ACMG Guidelines, 2015. Collection method: not provided. Allele origin: germline. Inheritance: Autosomal recessive inheritance. Affected: yes.